The following is an entry in ClinVar:

ClinVar aggregate classification (germline): Uncertain significance (1 of 4 stars; one submission).

Conditions:
Inborn genetic diseases. Identifiers: MedGen C0950123, MeSH D030342.

Submission:

Ambry Genetics
Classification: Uncertain significance for Inborn genetic diseases. Last evaluated: 2025-05-16. Review status: criteria provided, single submitter. Criteria: Ambry Variant Classification Scheme 2023. Collection method: clinical testing. Allele origin: germline.
Comment: The p.T236I variant (also known as c.707C>T), located in coding exon 3 of the FANCM gene, results from a C to T substitution at nucleotide position 707. The threonine at codon 236 is replaced by isoleucine, an amino acid with similar properties. This amino acid position is conserved. In addition, this alteration is predicted to be tolerated by in silico analysis. Based on the available evidence, the clinical significance of this variant remains unclear.

NM_020937.4(FANCM):c.707C>T (p.Thr236Ile)

Gene: FANCM (FA complementation group M; plus strand). Cytogenetic location: 14q21.2.
Variant type: single nucleotide variant.
Coding change: c.707C>T on transcript NM_020937.4 (MANE Select); coding-DNA position 707, C replaced by T.
Protein change: p.Thr236Ile; replaces threonine 236 with isoleucine.
Molecular consequence: missense variant. On other transcripts: intron variant (1).
Genome position (GRCh38, 1-based): chr14:45,140,657, C>T. VCF-style: chr14-45140657-C-T. GRCh37 (hg19) VCF-style: chr14-45609860-C-T.
Other names: c.707C>T, p.Thr236Ile (NM_001308134.2); c.681+3416C>T (NM_001308133.2); short protein forms T236I.
Identifiers: ClinVar variation 4022784 (VCV004022784.1).